The following is an entry in ClinVar:

ClinVar aggregate classification (germline): Likely pathogenic (1 of 4 stars; one submission).

Conditions:
Very long chain acyl-CoA dehydrogenase deficiency (ACADVLD). Also called: Very Long-Chain Acyl-Coenzyme A Dehydrogenase Deficiency; VLCAD Deficiency. Identifiers: Orphanet 26793, MedGen C3887523, MONDO:0008723, OMIM 201475.

Submission:

Juno Genomics, Hangzhou Juno Genomics, Inc
Classification: Likely pathogenic for Very long chain acyl-CoA dehydrogenase deficiency. Review status: criteria provided, single submitter. Criteria: ACMG Guidelines, 2015. Collection method: clinical testing. Allele origin: germline.
Comment: Null variant in a gene where loss of function (LOF) is a known mechanism of disease.;Absent from controls (or at extremely low frequency if recessive) in Genome Aggregation Database.

NM_000018.4(ACADVL):c.1606-1G>C

Gene: ACADVL (acyl-CoA dehydrogenase very long chain; plus strand). Cytogenetic location: 17p13.1.
Variant type: single nucleotide variant.
Coding change: c.1606-1G>C on transcript NM_000018.4 (MANE Select); the canonical splice acceptor site of the intron before coding-DNA position 1606, G replaced by C.
Molecular consequence: splice acceptor variant.
Genome position (GRCh38, 1-based): chr17:7,224,479, G>C. VCF-style: chr17-7224479-G-C. GRCh37 (hg19) VCF-style: chr17-7127798-G-C.
Other names: c.1675-1G>C (NM_001270447.2); c.1378-1G>C (NM_001270448.2); c.1540-1G>C (NM_001033859.3).
Identifiers: ClinVar variation 5005805 (VCV005005805.2).